The following is an entry in ClinVar:

NC_000009.12:g.(?_95149913)_(95172157_?)del

Gene: FANCC (FA complementation group C; minus strand). Cytogenetic location: 9q22.32.
Variant type: Deletion.
Identifiers: ClinVar variation 831098 (VCV000831098.4).

ClinVar aggregate classification (germline): Pathogenic (1 of 4 stars; one submission).

Conditions:
Fanconi anemia (FA). Also called: Fanconi's anemia. Identifiers: Orphanet 84, MedGen C0015625, MeSH D005199, MONDO:0019391.

Submission:

Labcorp Genetics (formerly Invitae), Labcorp
Classification: Pathogenic for Fanconi anemia. Last evaluated: 2019-04-05. Review status: criteria provided, single submitter. Criteria: Invitae Variant Classification Sherloc (09022015). Collection method: clinical testing. Allele origin: germline.
Comment: This variant is an out-of-frame deletion of the genomic region encompassing exons 5-7 of the FANCC gene. This is expected to create a premature translational stop signal and result in an absent or disrupted protein product. This variant has not been reported in the literature in individuals with FANCC-related conditions. Loss-of-function variants in FANCC are known to be pathogenic (PMID: 17924555). For these reasons, this variant has been classified as Pathogenic.

Literature cited by the submitters: PubMed 17924555.